The following is an entry in ClinVar:

NM_001039469.3(MARK2):c.1052_1053insAAAA (p.Tyr351Ter)

Gene: MARK2 (microtubule affinity regulating kinase 2; plus strand). Cytogenetic location: 11q13.1.
Variant type: Insertion.
Coding change: c.1052_1053insAAAA on transcript NM_001039469.3 (MANE Select); coding-DNA positions 1052 to 1053, AAAA inserted.
Protein change: p.Tyr351Ter; replaces tyrosine 351 with a stop codon.
Molecular consequence: nonsense.
Genome position: GRCh38 VCF-style: chr11-63901019-T-TAAAA. GRCh37 (hg19) VCF-style: chr11-63668491-T-TAAAA.
Other names: c.1052_1053insAAAA, p.Tyr351Ter (NM_001163296.2, NM_001163297.2, NM_004954.5); c.953_954insAAAA, p.Tyr318Ter (NM_017490.4); short protein forms Y351*, Y318*.
Identifiers: ClinVar variation 5023896 (VCV005023896.1).

ClinVar aggregate classification (germline): Pathogenic (1 of 4 stars; one submission).

Submission:

Ambry Genetics
Classification: Pathogenic. Last evaluated: 2026-07-01. Review status: criteria provided, single submitter. Criteria: Ambry Variant Classification Scheme 2023. Collection method: clinical testing. Allele origin: germline.
Comment: The c.1052_1053insAAAA (p.Y351*) variant, located in exon 11 (coding exon 11) of the MARK2 gene, consists of an insertion of AAAA at position 1052. This changes the amino acid from a tyrosine (Y) to a stop codon at amino acid position 351. This variant is expected to result in loss of function by premature protein truncation or nonsense-mediated mRNA decay. This variant was not reported in population-based cohorts in the Genome Aggregation Database (gnomAD). Based on the available evidence, this alteration is classified as pathogenic.